The following is an entry in ClinVar:

NM_000551.4(VHL):c.340+759G>A

Genes: VHL (von Hippel-Lindau tumor suppressor; plus strand), LOC107303340 (3p25 von Hippel-Lindau tumor suppressor, E3 ubiquitin protein ligase Alu-mediated recombination region; plus strand). Cytogenetic location: 3p25.3.
Variant type: single nucleotide variant.
Coding change: c.340+759G>A on transcript NM_000551.4 (MANE Select); 759 bases into the intron after coding-DNA position 340, G replaced by A.
Molecular consequence: intron variant. On other transcripts: missense variant (1).
Genome position (GRCh38, 1-based): chr3:10,142,946, G>A. VCF-style: chr3-10142946-G-A. GRCh37 (hg19) VCF-style: chr3-10184630-G-A.
Other names: c.524G>A, p.Gly175Asp (NM_001354723.2); c.340+759G>A (NM_198156.3); short protein forms G175D.
Identifiers: ClinVar variation 2119234 (VCV002119234.4), dbSNP rs1696163243, ClinGen allele CA1345067491.

ClinVar aggregate classification (germline): Uncertain significance (1 of 4 stars; one submission).

Conditions:
Von Hippel-Lindau syndrome (VHLS). Also called: VHL syndrome; Von Hippel-Lindau; von Hippel–Lindau syndrome. Identifiers: Orphanet 892, MedGen C0019562, MONDO:0008667, OMIM 193300. Disease mechanism: loss of function.
Chuvash polycythemia. Also called: POLYCYTHEMIA, VHL-DEPENDENT. Identifiers: Orphanet 238557, MedGen C1837915, MONDO:0009892, OMIM 263400.

Allele frequency attached by ClinVar (database versions not stated): TOPMed below 0.00001.

Submission:

Labcorp Genetics (formerly Invitae), Labcorp
Classification: Uncertain significance for Von Hippel-Lindau syndrome; Chuvash polycythemia. Last evaluated: 2022-03-29. Review status: criteria provided, single submitter. Criteria: Invitae Variant Classification Sherloc (09022015). Collection method: clinical testing. Allele origin: germline.
Comment: This sequence change falls in intron 1 of the VHL gene. It is not expected to change the encoded amino acid sequence of the VHL protein. However, this sequence change falls within a cryptic exon in the VHL gene, known as exon E1’, which is naturally expressed at low levels in several human tissues (PMID: 29891534). This variant is not present in population databases (gnomAD no frequency). This variant has not been reported in the literature in individuals affected with VHL-related conditions. Algorithms developed to predict the effect of sequence changes on RNA splicing suggest that this variant is not likely to affect RNA splicing. In summary, the available evidence is currently insufficient to determine the role of this variant in disease. Therefore, it has been classified as a Variant of Uncertain Significance.

Literature cited by the submitters: PubMed 29891534.